The following is an entry in ClinVar:

NM_170606.3(KMT2C):c.7039C>A (p.Gln2347Lys)

Gene: KMT2C (lysine methyltransferase 2C; minus strand). Cytogenetic location: 7q36.1.
Variant type: single nucleotide variant.
Coding change: c.7039C>A on transcript NM_170606.3 (MANE Select); coding-DNA position 7039, C replaced by A.
Protein change: p.Gln2347Lys; replaces glutamine 2347 with lysine.
Molecular consequence: missense variant.
Genome position (GRCh38, 1-based): chr7:152,180,821, G>T on the plus strand (C>A on the coding strand, the complement: KMT2C is on the minus strand). VCF-style: chr7-152180821-G-T. GRCh37 (hg19) VCF-style: chr7-151877906-G-T.
Other names: short protein forms Q2347K.
Identifiers: ClinVar variation 3373415 (VCV003373415.1).

ClinVar aggregate classification (germline): Uncertain significance (1 of 4 stars; one submission).

Submission:

GeneDx
Classification: Uncertain significance. Last evaluated: 2024-05-04. Review status: criteria provided, single submitter. Criteria: GeneDx Variant Classification Process June 2021. Collection method: clinical testing. Allele origin: germline. Affected: yes.
Comment: Not observed at significant frequency in large population cohorts (gnomAD); In silico analysis indicates that this missense variant does not alter protein structure/function; Has not been previously published as pathogenic or benign to our knowledge